The following is an entry in ClinVar:

ClinVar aggregate classification (germline): Uncertain significance. Review status: criteria provided, multiple submitters, no conflicts (2 of 4 stars). 3 submissions from 3 submitters: Uncertain significance (3). Last evaluated 2025-09-01.

Conditions:
Inborn genetic diseases. Identifiers: MedGen C0950123, MeSH D030342.

Allele frequency attached by ClinVar (database versions not stated): gnomAD 0.00001; TOPMed 0.00001.
gnomAD v4.1: 10 of 1,596,760 alleles (0.00063%); highest among the groups gnomAD compares: East Asian, 0.0068%; no homozygotes.

Submissions (3):

Ambry Genetics
Classification: Uncertain significance for Inborn genetic diseases. Last evaluated: 2025-09-01. Review status: criteria provided, single submitter. Criteria: Ambry Variant Classification Scheme 2023. Collection method: clinical testing. Allele origin: germline.

Blueprint Genetics
Classification: Uncertain significance. Last evaluated: 2024-10-22. Review status: criteria provided, single submitter. Criteria: ACMG Guidelines, 2015. Collection method: clinical testing. Allele origin: germline.

Labcorp Genetics (formerly Invitae), Labcorp
Classification: Uncertain significance. Last evaluated: 2022-07-26. Review status: criteria provided, single submitter. Criteria: Invitae Variant Classification Sherloc (09022015). Collection method: clinical testing. Allele origin: germline.
Comment: This sequence change replaces glycine, which is neutral and non-polar, with aspartic acid, which is acidic and polar, at codon 636 of the KIAA1549 protein (p.Gly636Asp). This variant is not present in population databases (gnomAD no frequency). This variant has not been reported in the literature in individuals affected with KIAA1549-related conditions. ClinVar contains an entry for this variant (Variation ID: 1019718). Algorithms developed to predict the effect of missense changes on protein structure and function (SIFT, PolyPhen-2, Align-GVGD) all suggest that this variant is likely to be tolerated. In summary, the available evidence is currently insufficient to determine the role of this variant in disease. Therefore, it has been classified as a Variant of Uncertain Significance.

NM_001164665.2(KIAA1549):c.1907G>A (p.Gly636Asp)

Gene: KIAA1549 (KIAA1549; minus strand). Cytogenetic location: 7q34.
Variant type: single nucleotide variant.
Coding change: c.1907G>A on transcript NM_001164665.2 (MANE Select); coding-DNA position 1907, G replaced by A.
Protein change: p.Gly636Asp; replaces glycine 636 with aspartic acid.
Molecular consequence: missense variant.
Genome position (GRCh38, 1-based): chr7:138,917,719, C>T on the plus strand (G>A on the coding strand, the complement: KIAA1549 is on the minus strand). VCF-style: chr7-138917719-C-T. GRCh37 (hg19) VCF-style: chr7-138602465-C-T.
Other names: c.1907G>A, p.Gly636Asp (NM_020910.3); c.1907G>A (NM_001164665.1); short protein forms G636D.
Identifiers: ClinVar variation 1019718 (VCV001019718.8), dbSNP rs1255883365, ClinGen allele CA369396004.